The following is an entry in ClinVar:

NM_001035.3(RYR2):c.14278G>A (p.Val4760Ile)

Gene: RYR2 (ryanodine receptor 2; plus strand). Cytogenetic location: 1q43.
Variant type: single nucleotide variant.
Coding change: c.14278G>A on transcript NM_001035.3 (MANE Select); coding-DNA position 14278, G replaced by A.
Protein change: p.Val4760Ile; replaces valine 4760 with isoleucine.
Molecular consequence: missense variant.
Genome position (GRCh38, 1-based): chr1:237,806,263, G>A. VCF-style: chr1-237806263-G-A. GRCh37 (hg19) VCF-style: chr1-237969563-G-A.
Other names: p.V4760I:GTA>ATA; c.14278G>A, p.Val4760Ile (LRG_402t1); short protein forms V4760I.
Identifiers: ClinVar variation 201404 (VCV000201404.11), dbSNP rs794728831, ClinGen allele CA008199.

ClinVar aggregate classification (germline): Uncertain significance. Review status: criteria provided, multiple submitters, no conflicts (2 of 4 stars). 2 submissions from 2 submitters: Uncertain significance (2). Last evaluated 2026-02-04.

Conditions:
Catecholaminergic polymorphic ventricular tachycardia 1. Also called: RYR2-Related Catecholaminergic Polymorphic Ventricular Tachycardia; VENTRICULAR TACHYCARDIA, CATECHOLAMINERGIC POLYMORPHIC, 1, WITH OR WITHOUT ATRIAL DYSFUNCTION AND/OR DILATED CARDIOMYOPATHY; VENTRICULAR TACHYCARDIA, STRESS-INDUCED POLYMORPHIC 1. Identifiers: Orphanet 3286, MedGen C1631597, MONDO:0011484, OMIM 604772.

Submissions (2):

GeneDx
Classification: Uncertain significance. Last evaluated: 2026-02-04. Review status: criteria provided, single submitter. Criteria: GeneDx Variant Classification Process June 2021. Collection method: clinical testing. Allele origin: germline. Affected: yes.
Comment: Not observed at significant frequency in large population cohorts (gnomAD); In silico analysis supports that this missense variant does not alter protein structure/function; Located in one of the three hot-spot regions of the RYR2 gene, where the majority of pathogenic missense variants occur (PMID: 19926015); Has not been previously published as pathogenic or benign to our knowledge; This variant is associated with the following publications: (PMID: 19926015)

Labcorp Genetics (formerly Invitae), Labcorp
Classification: Uncertain significance for Catecholaminergic polymorphic ventricular tachycardia 1. Last evaluated: 2022-02-19. Review status: criteria provided, single submitter. Criteria: Invitae Variant Classification Sherloc (09022015). Collection method: clinical testing. Allele origin: germline.
Comment: This sequence change replaces valine, which is neutral and non-polar, with isoleucine, which is neutral and non-polar, at codon 4760 of the RYR2 protein (p.Val4760Ile). This variant is not present in population databases (gnomAD no frequency). In summary, the available evidence is currently insufficient to determine the role of this variant in disease. Therefore, it has been classified as a Variant of Uncertain Significance. Advanced modeling of protein sequence and biophysical properties (such as structural, functional, and spatial information, amino acid conservation, physicochemical variation, residue mobility, and thermodynamic stability) performed at Invitae indicates that this missense variant is expected to disrupt RYR2 protein function. ClinVar contains an entry for this variant (Variation ID: 201404). This variant has not been reported in the literature in individuals affected with RYR2-related conditions.